The following is an entry in ClinVar:

NC_000001.10:g.(?_45794978)_(45799285_?)del

Gene: MUTYH (mutY DNA glycosylase; minus strand). Cytogenetic location: 1p34.1.
Variant type: Deletion.
Identifiers: ClinVar variation 3247744 (VCV003247744.1).

ClinVar aggregate classification (germline): Pathogenic (1 of 4 stars; one submission).

Conditions:
Familial adenomatous polyposis 2. Also called: Adenomas, multiple colorectal; COLORECTAL ADENOMATOUS POLYPOSIS, AUTOSOMAL RECESSIVE; ADENOMAS, MULTIPLE COLORECTAL, AUTOSOMAL RECESSIVE; FAP type 2; MUTYH Polyposis; MYH-associated polyposis. Identifiers: Orphanet 220460, Orphanet 247798, MedGen C3272841, MONDO:0012041, OMIM 608456.

Submission:

Labcorp Genetics (formerly Invitae), Labcorp
Classification: Pathogenic for Familial adenomatous polyposis 2. Last evaluated: 2023-11-01. Review status: criteria provided, single submitter. Criteria: Invitae Variant Classification Sherloc (09022015). Collection method: clinical testing. Allele origin: unknown.
Comment: This variant is a gross deletion of the genomic region encompassing exon(s) 3-16 of the MUTYH gene, which includes the termination codon. This deletion extends beyond the assayed region for this gene and therefore may encompass additional genes. While this deletion is not anticipated to lead to nonsense mediated decay, it is expected to alter mRNA translation or result in a truncated protein product. A similar copy number variant has been observed in individual(s) with polyposis and colorectal cancer (PMID: 21962078, 23561487, 24953332). This variant disrupts the p.Tyr179 amino acid residue in MUTYH. Other variant(s) that disrupt this residue have been determined to be pathogenic (PMID: 11818965, 12606733, 16557584, 17489848, 18534194, 19953527). This suggests that this residue is clinically significant, and that variants that disrupt this residue are likely to be disease-causing. For these reasons, this variant has been classified as Pathogenic.

Literature cited by the submitters: PubMed 21962078; PubMed 23561487; PubMed 24953332; PubMed 11818965; PubMed 12606733; PubMed 16557584; PubMed 17489848; PubMed 18534194; PubMed 19953527.